The following is an entry in ClinVar:

ClinVar aggregate classification (germline): Uncertain significance (1 of 4 stars; one submission).

Conditions:
Beckwith-Wiedemann syndrome (BWS). Also called: Exomphalos macroglossia gigantism syndrome; EMG SYNDROME. Identifiers: Orphanet 116, MedGen C0004903, MONDO:0007534, OMIM 130650.

Submission:

Labcorp Genetics (formerly Invitae), Labcorp
Classification: Uncertain significance for Beckwith-Wiedemann syndrome. Last evaluated: 2023-04-24. Review status: criteria provided, single submitter. Criteria: Invitae Variant Classification Sherloc (09022015). Collection method: clinical testing. Allele origin: germline.
Comment: This variant has not been reported in the literature in individuals affected with CDKN1C-related conditions. This variant is not present in population databases (gnomAD no frequency). This sequence change replaces asparagine, which is neutral and polar, with histidine, which is basic and polar, at codon 260 of the CDKN1C protein (p.Asn260His). Advanced modeling of protein sequence and biophysical properties (such as structural, functional, and spatial information, amino acid conservation, physicochemical variation, residue mobility, and thermodynamic stability) performed at Invitae indicates that this missense variant is not expected to disrupt CDKN1C protein function. In summary, the available evidence is currently insufficient to determine the role of this variant in disease. Therefore, it has been classified as a Variant of Uncertain Significance.

NM_001122630.2(CDKN1C):c.745A>C (p.Asn249His)

Gene: CDKN1C (cyclin dependent kinase inhibitor 1C; minus strand). Cytogenetic location: 11p15.4.
Variant type: single nucleotide variant.
Coding change: c.745A>C on transcript NM_001122630.2 (MANE Select); coding-DNA position 745, A replaced by C.
Protein change: p.Asn249His; replaces asparagine 249 with histidine.
Molecular consequence: missense variant. On other transcripts: intron variant (1).
Genome position (GRCh38, 1-based): chr11:2,884,712, T>G on the plus strand (A>C on the coding strand, the complement: CDKN1C is on the minus strand). VCF-style: chr11-2884712-T-G. GRCh37 (hg19) VCF-style: chr11-2905942-T-G.
Other names: c.778A>C, p.Asn260His (NM_000076.2, NM_001362474.2); c.745A>C, p.Asn249His (NM_001122631.2); c.255+490A>C (NM_001362475.2); short protein forms N249H, N260H.
Identifiers: ClinVar variation 2858716 (VCV002858716.3), dbSNP rs2494383514, ClinGen allele CA379145602.